The following is an entry in ClinVar:

ClinVar aggregate classification (germline): Pathogenic (1 of 4 stars; one submission).

Conditions:
Inborn genetic diseases. Identifiers: MedGen C0950123, MeSH D030342.

Submission:

Ambry Genetics
Classification: Pathogenic for Inborn genetic diseases. Last evaluated: 2025-09-04. Review status: criteria provided, single submitter. Criteria: Ambry Variant Classification Scheme 2023. Collection method: clinical testing. Allele origin: germline.
Comment: The c.2964C>A (p.Y988*) alteration, located in exon 28 (coding exon 27) of the STAG1 gene, consists of a C to A substitution at nucleotide position 2964. This changes the amino acid from a tyrosine (Y) to a stop codon at amino acid position 988. This alteration is expected to result in loss of function by premature protein truncation or nonsense-mediated mRNA decay. This variant was not reported in population-based cohorts in the Genome Aggregation Database (gnomAD). Based on the available evidence, this alteration is classified as pathogenic.

NM_005862.3(STAG1):c.2964C>A (p.Tyr988Ter)

Gene: STAG1 (STAG1 cohesin complex component; minus strand). Cytogenetic location: 3q22.3.
Variant type: single nucleotide variant.
Coding change: c.2964C>A on transcript NM_005862.3 (MANE Select); coding-DNA position 2964, C replaced by A.
Protein change: p.Tyr988Ter; replaces tyrosine 988 with a stop codon.
Molecular consequence: nonsense.
Genome position (GRCh38, 1-based): chr3:136,357,821, G>T on the plus strand (C>A on the coding strand, the complement: STAG1 is on the minus strand). VCF-style: chr3-136357821-G-T. GRCh37 (hg19) VCF-style: chr3-136076663-G-T.
Other names: short protein forms Y988*.
Identifiers: ClinVar variation 4176067 (VCV004176067.1).
Genomic context (GRCh38, chr3:136,357,821, plus strand): 5'-ACTTAGTACTTCAAGAAAAGCCAGATTAGGAGGTGGATACTCTTGTCCTTTCTGATTTTG[G>T]TATTTAAATGCAAACTCTATGCCATCCCTGAAGTAAAAGAAAATATCAACTTATTTTTCC-3'